The following is an entry in ClinVar:

NM_001369.3(DNAH5):c.11869G>A (p.Asp3957Asn)

Gene: DNAH5 (dynein axonemal heavy chain 5; minus strand). Cytogenetic location: 5p15.2.
Variant type: single nucleotide variant.
Coding change: c.11869G>A on transcript NM_001369.3 (MANE Select); coding-DNA position 11869, G replaced by A.
Protein change: p.Asp3957Asn; replaces aspartic acid 3957 with asparagine.
Molecular consequence: missense variant.
Genome position (GRCh38, 1-based): chr5:13,729,453, C>T on the plus strand (G>A on the coding strand, the complement: DNAH5 is on the minus strand). VCF-style: chr5-13729453-C-T. GRCh37 (hg19) VCF-style: chr5-13729562-C-T.
Other names: short protein forms D3957N.
Identifiers: ClinVar variation 506280 (VCV000506280.9), dbSNP rs749548708, ClinGen allele CA3201820.
Genomic context (GRCh38, chr5:13,729,453, plus strand): 5'-GCTGCTCAACATGACATCAGCTTAAGTTGATTCAAAGCACAGTTACCTGGTCAAGGACAT[C>T]TGAAAACTGTCTGAGTTTGCTAAGTTCCACCAAATTCAGCCATGTTATGTCCAGGATCCA-3'
Protein context (NP_001360.1, residues 3947-3967): VELSKLRQFS[Asp3957Asn]VLDQISRNEK

ClinVar aggregate classification (germline): Uncertain significance. Review status: criteria provided, multiple submitters, no conflicts (2 of 4 stars). 2 submissions from 2 submitters: Uncertain significance (2). Last evaluated 2022-09-08.

Conditions:
Primary ciliary dyskinesia. Also called: Ciliary dyskinesia. Identifiers: Orphanet 244, MedGen C0008780, MONDO:0016575, HP:0012265.

Allele frequency attached by ClinVar (database versions not stated): gnomAD exomes below 0.00001 and 0.00001; gnomAD 0.00001; ExAC 0.00002.
gnomAD v4.1: 5 of 1,613,888 alleles (0.00031%); highest among the groups gnomAD compares: South Asian, 0.0044%; no homozygotes.

Submissions (2):

Labcorp Genetics (formerly Invitae), Labcorp
Classification: Uncertain significance for Primary ciliary dyskinesia. Last evaluated: 2022-09-08. Review status: criteria provided, single submitter. Criteria: Invitae Variant Classification Sherloc (09022015). Collection method: clinical testing. Allele origin: germline.
Comment: This sequence change replaces aspartic acid, which is acidic and polar, with asparagine, which is neutral and polar, at codon 3957 of the DNAH5 protein (p.Asp3957Asn). This variant is present in population databases (rs749548708, gnomAD 0.003%). This variant has not been reported in the literature in individuals affected with DNAH5-related conditions. ClinVar contains an entry for this variant (Variation ID: 506280). Advanced modeling of protein sequence and biophysical properties (such as structural, functional, and spatial information, amino acid conservation, physicochemical variation, residue mobility, and thermodynamic stability) performed at Invitae indicates that this missense variant is not expected to disrupt DNAH5 protein function. In summary, the available evidence is currently insufficient to determine the role of this variant in disease. Therefore, it has been classified as a Variant of Uncertain Significance.

Laboratory for Molecular Medicine, Mass General Brigham Personalized Medicine
Classification: Uncertain significance. Last evaluated: 2018-01-26. Review status: criteria provided, single submitter. Criteria: LMM Criteria. Collection method: clinical testing. Allele origin: germline. Observed: 1 variant allele.
Comment: The p.Asp3957Asn variant in DNAH5 has not been previously reported in individual s with PCD, but has been identified in 2/246028 of chromosomes by the Genome Agg regation Database (gnomAD; dbSNP rs749548708). Computational prediction tools and conservation analysis suggest that the p.Asp 3957Asn variant may not impact the protein, though this information is not predi ctive enough to rule out pathogenicity. In summary, the clinical significance of the p.Asp3957Asn variant is uncertain. ACMG/AMP Criteria applied: PM2; BP4.